The following is an entry in ClinVar:

NM_001136271.3(NKX2-6):c.478C>T (p.Pro160Ser)

Gene: NKX2-6 (NK2 homeobox 6; minus strand). Cytogenetic location: 8p21.2.
Variant type: single nucleotide variant.
Coding change: c.478C>T on transcript NM_001136271.3 (MANE Select); coding-DNA position 478, C replaced by T.
Protein change: p.Pro160Ser; replaces proline 160 with serine.
Molecular consequence: missense variant.
Genome position (GRCh38, 1-based): chr8:23,702,879, G>A on the plus strand (C>T on the coding strand, the complement: NKX2-6 is on the minus strand). VCF-style: chr8-23702879-G-A. GRCh37 (hg19) VCF-style: chr8-23560392-G-A.
Other names: short protein forms P160S.
Identifiers: ClinVar variation 1003022 (VCV001003022.5), dbSNP rs1461236642, ClinGen allele CA370602913.

ClinVar aggregate classification (germline): Uncertain significance (1 of 4 stars; one submission).

Conditions:
Conotruncal heart malformations (CTHM). Also called: Conotruncal heart malformations, variable. Identifiers: Orphanet 2445, Orphanet 3384, Orphanet 3426, MedGen C1857586, MONDO:0016581, OMIM 217095.

gnomAD v4.1: 2 of 1,558,830 alleles (0.00013%); highest among the groups gnomAD compares: Non-Finnish European, 0.00017%; no homozygotes.

Submission:

Labcorp Genetics (formerly Invitae), Labcorp
Classification: Uncertain significance for Conotruncal heart malformations. Last evaluated: 2022-08-16. Review status: criteria provided, single submitter. Criteria: Invitae Variant Classification Sherloc (09022015). Collection method: clinical testing. Allele origin: germline.
Comment: This variant has not been reported in the literature in individuals affected with NKX2-6-related conditions. In summary, the available evidence is currently insufficient to determine the role of this variant in disease. Therefore, it has been classified as a Variant of Uncertain Significance. Algorithms developed to predict the effect of missense changes on protein structure and function (SIFT, PolyPhen-2, Align-GVGD) all suggest that this variant is likely to be disruptive. ClinVar contains an entry for this variant (Variation ID: 1003022). This variant is not present in population databases (gnomAD no frequency). This sequence change replaces proline, which is neutral and non-polar, with serine, which is neutral and polar, at codon 160 of the NKX2-6 protein (p.Pro160Ser).